The following is an entry in ClinVar:

NM_001244008.2(KIF1A):c.593C>A (p.Ser198Ter)

Gene: KIF1A (kinesin family member 1A; minus strand). Cytogenetic location: 2q37.3.
Variant type: single nucleotide variant.
Coding change: c.593C>A on transcript NM_001244008.2 (MANE Select); coding-DNA position 593, C replaced by A.
Protein change: p.Ser198Ter; replaces serine 198 with a stop codon.
Molecular consequence: nonsense.
Genome position (GRCh38, 1-based): chr2:240,786,350, G>T on the plus strand (C>A on the coding strand, the complement: KIF1A is on the minus strand). VCF-style: chr2-240786350-G-T. GRCh37 (hg19) VCF-style: chr2-241725767-G-T.
Other names: c.593C>A, p.Ser198Ter (NM_001320705.2, NM_001330289.2, NM_001330290.2 and 20 more transcripts); short protein forms S198*.
Identifiers: ClinVar variation 4794226 (VCV004794226.1).

ClinVar aggregate classification (germline): Pathogenic (1 of 4 stars; one submission).

Conditions:
Neuropathy, hereditary sensory, type 2C. Also called: KIF1A-Related HSAN2 (HSAN2C); Hereditary sensory and autonomic neuropathy type IIC. Identifiers: Orphanet 970, MedGen C3280168, MONDO:0013634, OMIM 614213.
Hereditary spastic paraplegia 30. Identifiers: Orphanet 101010, MedGen C5235139, MONDO:0012476.
Intellectual disability, autosomal dominant 9 (NESCAVS). Also called: KIF1A-Related Neurodevelopmental Disorder; NESCAV SYNDROME. Identifiers: Orphanet 662367, MedGen C5393830, MONDO:0013656, OMIM 614255.

Submission:

Labcorp Genetics (formerly Invitae), Labcorp
Classification: Pathogenic for Hereditary spastic paraplegia 30; Neuropathy, hereditary sensory, type 2C; Intellectual disability, autosomal dominant 9. Last evaluated: 2025-05-19. Review status: criteria provided, single submitter. Criteria: Invitae Variant Classification Sherloc (09022015). Collection method: clinical testing. Allele origin: germline.
Comment: This sequence change creates a premature translational stop signal (p.Ser198*) in the KIF1A gene. It is expected to result in an absent or disrupted protein product. Loss-of-function variants in KIF1A are known to be pathogenic (PMID: 21820098). This variant is not present in population databases (gnomAD no frequency). This variant has not been reported in the literature in individuals affected with KIF1A-related conditions. For these reasons, this variant has been classified as Pathogenic.

Literature cited by the submitters: PubMed 21820098.